The following continues an entry in ClinVar:

NM_001048174.2(MUTYH):c.1103G>A (p.Gly368Asp)

Gene: MUTYH. ClinVar aggregate classification (germline): Pathogenic/Likely pathogenic. Pathogenic (64); Likely pathogenic (5).

Submissions 38 to 56 of 93:

Dasa
Classification: Pathogenic for Familial colorectal cancer. Last evaluated: 2022-03-25. Review status: criteria provided, single submitter. Criteria: ACMG Guidelines, 2015. Collection method: clinical testing. Allele origin: germline. Affected: yes. Observed: 1 variant allele.
Comment: Well-established in vitro or in vivo functional studies supportive of a damaging effect on the gene or gene product (PMID: 15987719; 18534194; 20848659; 23108399) - PS3_moderate. The c.1187G>A;p.(Gly396Asp)The c.1187G>A;p.(Gly396Asp) missense change has been observed in affected individual(s) and ClinVar contains an entry for this variant (ClinVar ID: 5294; PMID: 23035301; PMID: 19394335; PMID: 21171015; PMID: 24444654; PMID: 15931596) - PS4. The variant co-segregated with disease in multiple affected family members (PMID: 11818965, 16557584, 17489848) - PP1_strong. In summary, the currently available evidence indicates that the variant is pathogenic.

Laboratorio de Genetica e Diagnostico Molecular, Hospital Israelita Albert Einstein
Classification: Pathogenic for Familial adenomatous polyposis 2. Last evaluated: 2021-12-20. Review status: criteria provided, single submitter. Criteria: ACMG Guidelines, 2015. Collection method: clinical testing. Allele origin: germline.
Comment: ACMG classification criteria: PS3, PS4, PM3, PP1

Sema4
Classification: Pathogenic for Hereditary cancer-predisposing syndrome. Last evaluated: 2021-12-20. Review status: criteria provided, single submitter. Criteria: Sema4 Curation Guidelines. Collection method: curation. Allele origin: germline.
Comment: The MUTYH c.1187G>A (p.G396D) variant is a well-known pathogenic variant associated with autosomal recessive MUTYH-associated polyposis. This variant, also known as c.1145G>A (p.Gly382Asp), was observed in 628/128314 (0.49%) chromosomes in the European (non-Finnish) population, with 3 homozygotes, in the Genome Aggregation Database (PMID: 32461654). It has been reported as homozygous or compound heterozygous with other pathogenic MUTYH variants in multiple individuals with colorectal cancer and polyposis (PMID: 11818965, 16557584, 16492921, 19394335, 21063410). In addition, this variant has been reported to co-segregate with disease in several families (PMID: 11818965, 16557584, 19793053). Functional studies have shown that this variant alters MUTYH protein function (PMID: 18534194, 20848659, 15987719, 12917422). Monoallelic carriers of this variant have shown a slightly increased risk for colorectal cancer (PMID: 21063410, 24444654). The variant has been reported in ClinVar (Variation ID 5294). Based on the current evidence available, this variant is interpreted as pathogenic.

Institute for Clinical Genetics, University Hospital TU Dresden, University Hospital TU Dresden
Classification: Pathogenic. Last evaluated: 2021-11-03. Review status: criteria provided, single submitter. Criteria: ACMG Guidelines, 2015. Collection method: clinical testing. Allele origin: germline.

Women's Health and Genetics/Laboratory Corporation of America, LabCorp
Classification: Pathogenic for Familial adenomatous polyposis 2. Last evaluated: 2021-08-13. Review status: criteria provided, single submitter. Criteria: LabCorp Variant Classification Summary - May 2015. Collection method: clinical testing. Allele origin: germline.
Comment: Variant summary: MUTYH c.1187G>A (p.Gly396Asp) results in a non-conservative amino acid change located in the NUDIX hydrolase domain (IPR000086) of the encoded protein sequence. Five of five in-silico tools predict a damaging effect of the variant on protein function. Several computational tools predict a significant impact on normal splicing: Three predict the variant abolishes a 5 splicing donor site. However, these predictions have yet to be confirmed by functional studies. The variant allele was found at a frequency of 0.003 in 250814 control chromosomes in the gnomAD database, including 3 homozygotes. c.1187G>A has been reported in the literature in multiple individuals affected with MUTYH-Associated Polyposis (example: Castillejo_2014, DeLellis_2013, Ricci_2016). These data indicate that the variant is very likely to be associated with disease. Functional studies support a damaging outcome, and at least 2 independent labs have down reduced DNA glycosylase activity and a reduced ability to suppress the mutation frequency in a complementation assay (example: Goto_2010, Komine_2015, Kundu_2009). 32 ClinVar submitters (evaluation after 2014) cite the variant as pathogenic/likely pathogenic. Based on the evidence outlined above, the variant was classified as pathogenic.

National Institute of Allergy and Infectious Diseases - Centralized Sequencing Program, National Institutes of Health
Classification: Pathogenic for Familial adenomatous polyposis 2. Last evaluated: 2021-08-06. Review status: criteria provided, single submitter. Criteria: ACMG Guidelines, 2015. Collection method: clinical testing. Allele origin: germline. Affected: no.

AiLife Diagnostics
Classification: Pathogenic. Last evaluated: 2021-06-04. Review status: criteria provided, single submitter. Criteria: ACMG Guidelines, 2015. Collection method: clinical testing. Allele origin: germline. Affected: yes. Observed: 1 variant allele.

Laan Lab, Human Genetics Research Group, University of Tartu
Classification: Pathogenic for Familial adenomatous polyposis 2. Last evaluated: 2021-05-01. Review status: criteria provided, single submitter. Criteria: ACMG Guidelines, 2015. Collection method: research. Allele origin: unknown. Observed: 1 variant allele, 1 homozygote.

Institute of Medical Genetics and Applied Genomics, University Hospital Tübingen
Classification: Pathogenic. Last evaluated: 2020-10-23. Review status: criteria provided, single submitter. Criteria: ACMG Guidelines, 2015. Collection method: clinical testing. Allele origin: germline. Inheritance: Autosomal recessive inheritance. Affected: yes.

Institute of Human Genetics, University of Leipzig Medical Center
Classification: Likely pathogenic for Familial adenomatous polyposis 2. Last evaluated: 2020-08-31. Review status: criteria provided, single submitter. Criteria: ACMG Guidelines, 2015. Collection method: clinical testing. Allele origin: unknown. Affected: yes.

GeneDx
Classification: Pathogenic. Last evaluated: 2020-05-05. Review status: criteria provided, single submitter. Criteria: GeneDx Variant Classification Process June 2021. Collection method: clinical testing. Allele origin: germline. Affected: yes.
Comment: Observed in the homozygous and compound heterozygous state in multiple individuals with MUTYH-Associated Polyposis, including affected siblings (Al-Tassan 2002, Win 2016, de Leon 2017, Furlan 2017, Yurgelun 2017); Published functional studies demonstrate a damaging effect: reduced glycosylase and DNA binding activity (Ali 2008, Goto 2010, Ruggieri 2013, Komine 2015); In silico analysis supports that this missense variant has a deleterious effect on protein structure/function; This variant is associated with the following publications: (PMID: 20687945, 21063410, 21952991, 22926731, 21178863, 20418187, 23361220, 28195393, 11818965, 29330641, 30564557, 32231684, 30582135, 18534194, 23108399, 20848659, 22703879, 19836313, 22744763, 19998059, 19732775, 19032956, 19953527, 22473953, 23625202, 23805267, 24082139, 22158503, 19245865, 27014339, 27194394, 26202870, 27631816, 27696107, 27705013, 27313931, 28135145, 27829682, 17039270, 24728327, 28127763, 27783336, 28141798, 27870730, 25820570, 27153395, 26332594, 26822237, 26681312, 28687356, 28944238, 28503720, 25186627, 28577310, 29371908, 29766397, 28634180, 29785153, 28152038, 26556299, 29915346, 29406563, 29958926, 30067863, 30333958, 30609409, 30256826, 30702970, 30620386, 29978187, 30322717, 30309722, 30604180, 30833417, 31159747, 30676620, 31285513, 30877237, 31512090, 30306255, 32088803, 30291343, 28709830, 31618753, 31447099, 31263571, 32854451, 31980526, 33384714, 32338768, 33258288, 32830346, 33504652)

Department of Molecular Diagnostics, Institute of Oncology Ljubljana
Classification: Pathogenic for Familial adenomatous polyposis 2. Last evaluated: 2020-04-02. Review status: criteria provided, single submitter. Criteria: ACMG Guidelines, 2015. Collection method: clinical testing. Allele origin: germline. Affected: yes.

GeneKor MSA
Classification: Likely pathogenic for Hereditary cancer-predisposing syndrome. Last evaluated: 2020-01-01. Review status: criteria provided, single submitter. Criteria: ACMG Guidelines, 2015. Collection method: clinical testing. Allele origin: germline. Affected: yes.
Comment: This sequence change replaces Glycine with Aspartic acid at codon 396 of the MUTYH protein. The glycine residue is highly conserved in the Nudix Hydrolase domain of the protein and there is a moderate physiochemical difference between glycine and aspartic acid (Grantham Score 94).This variant is present in population databases (rs36053993, 0.4%) and has been reported in the literature. This variant has been reported to co-segregate with disease in patients affected with colorectal cancer, familial adenomatous polyposis (FAP), and attenuated FAP (PMID: 31159747, 19793053, 11818965 ) when found in the homozygous state or in compound heterozygosis with another MUTYH pathogenic variant. This variant is also known as c.1145G>A (p.Gly382Asp) in the literature. Experimental studies have shown that this missense change disrupts MUTYH protein function (PMID: 20848659 ; 15987719). The mutation databaseClinVar contains entries for this variant (Variation ID:5294).

HudsonAlpha Institute for Biotechnology
Classification: Pathogenic for Familial adenomatous polyposis 2. Last evaluated: 2019-05-26. Review status: criteria provided, single submitter. Criteria: ACMG Guidelines, 2015. Collection method: research. Allele origin: unknown. Observed: 1 variant allele. Study: AGHI_GT.

Institute of Human Genetics, University of Leipzig Medical Center
Classification: Pathogenic for Ovarian carcinoma. Last evaluated: 2019-01-01. Review status: criteria provided, single submitter. Criteria: ACMG Guidelines, 2015. Collection method: clinical testing. Allele origin: unknown. Affected: yes.

Mendelics
Classification: Pathogenic for MYH-associated polyposis. Last evaluated: 2018-07-02. Review status: criteria provided, single submitter. Criteria: Mendelics Assertion Criteria 2017. Collection method: clinical testing. Allele origin: unknown.

Institute for Biomarker Research, Medical Diagnostic Laboratories, L.L.C.
Classification: Pathogenic for Hereditary cancer-predisposing syndrome. Last evaluated: 2018-05-23. Review status: criteria provided, single submitter. Criteria: ACMG Guidelines, 2015. Collection method: clinical testing. Allele origin: germline.

Eurofins Ntd Llc (ga)
Classification: Pathogenic. Last evaluated: 2018-02-27. Review status: criteria provided, single submitter. Criteria: EGL ClinVar v180209 classification definitions. Collection method: clinical testing. Allele origin: germline. Observed: 23 variant alleles, 19 heterozygotes, 1 homozygote.

Fulgent Genetics
Classification: Pathogenic for Pilomatrixoma; Familial adenomatous polyposis 2; Gastric cancer. Last evaluated: 2017-05-18. Review status: criteria provided, single submitter. Criteria: ACMG Guidelines, 2015. Collection method: clinical testing. Allele origin: unknown.